The following is an entry in ClinVar:

NM_005228.5(EGFR):c.3271+145C>T

Gene: EGFR (epidermal growth factor receptor; plus strand). Cytogenetic location: 7p11.2.
Variant type: single nucleotide variant.
Coding change: c.3271+145C>T on transcript NM_005228.5 (MANE Select); 145 bases into the intron after coding-DNA position 3271, C replaced by T.
Molecular consequence: intron variant. On other transcripts: 3 prime UTR variant (2).
Genome position (GRCh38, 1-based): chr7:55,202,770, C>T. VCF-style: chr7-55202770-C-T. GRCh37 (hg19) VCF-style: chr7-55270463-C-T.
Other names: c.*5C>T (NM_001346897.2, NM_001346898.2); c.3136+145C>T (NM_001346899.2); c.2470+145C>T (NM_001346941.2); c.3112+145C>T (NM_001346900.2).
Identifiers: ClinVar variation 3043888 (VCV003043888.3), dbSNP rs138407473, ClinGen allele CA4266360.

ClinVar aggregate classification (germline): Likely benign. Review status: criteria provided, single submitter (1 of 4 stars). 2 submissions from 2 submitters: Likely benign (1). 1 of the submissions does not count toward it. Last evaluated 2024-11-27.

Conditions:
EGFR-related disorder. Also called: EGFR-related condition.

Allele frequency attached by ClinVar (database versions not stated): 1000 Genomes Project 30x 0.00062; 1000 Genomes Project 0.00100; ExAC 0.00101; gnomAD 0.00168; TOPMed 0.00177.
gnomAD v4.1: 1,388 of 763,458 alleles (0.18%); highest among the groups gnomAD compares: Non-Finnish European, 0.27%; no homozygotes.

Submissions (2):

Blueprint Genetics
Classification: Likely benign. Last evaluated: 2024-11-27. Review status: criteria provided, single submitter. Criteria: ACMG Guidelines, 2015. Collection method: clinical testing. Allele origin: germline.

PreventionGenetics, part of Exact Sciences
Classification: Likely benign for EGFR-related condition. Last evaluated: 2020-03-03. Review status: no assertion criteria provided. Collection method: clinical testing. Allele origin: germline. Not counted in ClinVar's aggregate classification.
Comment: This variant is classified as likely benign based on ACMG/AMP sequence variant interpretation guidelines (Richards et al. 2015 PMID: 25741868, with internal and published modifications).